The following is an entry in ClinVar:

NM_004183.4(BEST1):c.1410G>A (p.Thr470=)

Gene: BEST1 (bestrophin 1; plus strand). Cytogenetic location: 11q12.3.
Variant type: single nucleotide variant.
Coding change: c.1410G>A on transcript NM_004183.4 (MANE Select); coding-DNA position 1410, G replaced by A.
Protein change: p.Thr470=; no amino-acid change (threonine 470 retained).
Molecular consequence: synonymous variant. On other transcripts: non-coding transcript variant (1).
Genome position (GRCh38, 1-based): chr11:61,962,564, G>A. VCF-style: chr11-61962564-G-A. GRCh37 (hg19) VCF-style: chr11-61730036-G-A.
Other names: c.1230G>A, p.Thr410= (NM_001139443.3, NM_001300787.2); c.1149G>A, p.Thr383= (NM_001300786.2); c.1092G>A, p.Thr364= (NM_001363591.3); c.*305G>A (NM_001363592.2); c.438G>A, p.Thr146= (NM_001363593.3).
Identifiers: ClinVar variation 193666 (VCV000193666.30), dbSNP rs149698, ClinGen allele CA200716.

ClinVar aggregate classification (germline): Benign. Review status: criteria provided, multiple submitters, no conflicts (2 of 4 stars). 15 submissions from 12 submitters: Benign (12). 3 of the submissions do not count toward it. Last evaluated 2026-02-04.

Conditions:
Retinal dystrophy. Also called: Inherited retinal dystrophy. Identifiers: Orphanet 71862, MedGen C0854723, MeSH D058499, MONDO:0019118, HP:0000556.
Retinitis pigmentosa (RP). Identifiers: Orphanet 791, MedGen C0035334, MeSH D012174, MONDO:0019200, OMIM 268000. Inheritance: Autosomal dominant, autosomal recessive and X linked inheritance.
Vitelliform macular dystrophy 2. Also called: Best Macular Dystrophy; Best vitelliform macular dystrophy, multifocal; Best Vitelliform Macular Dystrophy (BVMD); VITELLIFORM MACULAR DYSTROPHY, EARLY-ONSET; VITELLIFORM MACULAR DYSTROPHY, JUVENILE-ONSET; MACULAR DEGENERATION, POLYMORPHIC VITELLINE. Identifiers: Orphanet 1243, MedGen C2745945, MONDO:0007931, OMIM 153700.
Autosomal recessive bestrophinopathy. Also called: Autosomal Recessive Bestrophinopathy (ARB). Identifiers: Orphanet 139455, MedGen C3888198, MONDO:0012733, OMIM 611809.
Autosomal dominant vitreoretinochoroidopathy. Also called: Autosomal Dominant Vitreoretinochoroidopathy (ADVIRC); VITREORETINOCHOROIDOPATHY WITH MICROCORNEA, GLAUCOMA, AND CATARACT; VITREORETINOCHOROIDOPATHY, AUTOSOMAL DOMINANT, WITH NANOPHTHALMOS. Identifiers: Orphanet 263347, Orphanet 3086, MedGen C3888099, MONDO:0008662, OMIM 193220.
Retinitis pigmentosa 50 (RP50). Also called: Retinitis pigmentosa, concentric. Identifiers: Orphanet 791, MedGen C2750789, MONDO:0013175, OMIM 613194.

Allele frequency attached by ClinVar (database versions not stated): gnomAD 0.22214 and 0.21560; gnomAD exomes 0.22630 and 0.28308; ExAC 0.22712; ESP Exome Variant Server 0.23427; 1000 Genomes Project 0.11222; 1000 Genomes Project 30x 0.11337; TOPMed 0.20796.
gnomAD v4.1: 444,990 of 1,613,940 alleles (28%); highest among the groups gnomAD compares: Non-Finnish European, 32%; 67,852 homozygotes.

Submissions (15):

Labcorp Genetics (formerly Invitae), Labcorp
Classification: Benign. Last evaluated: 2026-02-04. Review status: criteria provided, single submitter. Criteria: Invitae Variant Classification Sherloc (09022015). Collection method: clinical testing. Allele origin: germline.

Blueprint Genetics
Classification: Benign. Last evaluated: 2024-11-27. Review status: criteria provided, single submitter. Criteria: ACMG Guidelines, 2015. Collection method: clinical testing. Allele origin: germline.

Dept Of Ophthalmology, Nagoya University
Classification: Benign for Retinal dystrophy. Last evaluated: 2023-10-01. Review status: criteria provided, single submitter. Criteria: Submitter's publication. Collection method: research. Allele origin: germline. Affected: yes.

Genome-Nilou Lab
Classification: Benign for Autosomal dominant vitreoretinochoroidopathy. Last evaluated: 2021-07-14. Review status: criteria provided, single submitter. Criteria: ACMG Guidelines, 2015. Collection method: clinical testing. Allele origin: germline. Affected: no.

Genome-Nilou Lab
Classification: Benign for Vitelliform macular dystrophy 2. Last evaluated: 2021-07-14. Review status: criteria provided, single submitter. Criteria: ACMG Guidelines, 2015. Collection method: clinical testing. Allele origin: germline. Affected: no.

Genome-Nilou Lab
Classification: Benign for Retinitis pigmentosa 50. Last evaluated: 2021-07-14. Review status: criteria provided, single submitter. Criteria: ACMG Guidelines, 2015. Collection method: clinical testing. Allele origin: germline. Affected: no.

Genome-Nilou Lab
Classification: Benign for Autosomal recessive bestrophinopathy. Last evaluated: 2021-07-14. Review status: criteria provided, single submitter. Criteria: ACMG Guidelines, 2015. Collection method: clinical testing. Allele origin: germline. Affected: no.

Illumina Laboratory Services, Illumina
Classification: Benign for Retinitis pigmentosa. Last evaluated: 2018-01-13. Review status: criteria provided, single submitter. Criteria: ICSL Variant Classification Criteria 13 December 2019. Collection method: clinical testing. Allele origin: germline.
Comment: This variant was observed in the ICSL laboratory as part of a predisposition screen in an ostensibly healthy population. It had not been previously curated by ICSL or reported in the Human Gene Mutation Database (HGMD: prior to June 1st, 2018), and was therefore a candidate for classification through an automated scoring system. Utilizing variant allele frequency, disease prevalence and penetrance estimates, and inheritance mode, an automated score was calculated to assess if this variant is too frequent to cause the disease. Based on the score and internal cut-off values, a variant classified as benign is not then subjected to further curation. The score for this variant resulted in a classification of benign for this disease.

GeneDx
Classification: Benign. Last evaluated: 2015-03-03. Review status: criteria provided, single submitter. Criteria: GeneDx Variant Classification Process June 2021. Collection method: clinical testing. Allele origin: germline. Affected: yes.

Eurofins Ntd Llc (ga)
Classification: Benign. Last evaluated: 2014-06-09. Review status: criteria provided, single submitter. Criteria: EGL Classification Definitions 2015. Collection method: clinical testing. Allele origin: germline. Observed: 2 variant alleles, 2 heterozygotes.

Breakthrough Genomics
Classification: Benign. Review status: criteria provided, single submitter. Criteria: ACMG Guidelines, 2015. Collection method: not provided. Allele origin: germline. Inheritance: Autosomal dominant inheritance. Affected: yes.

PreventionGenetics, part of Exact Sciences
Classification: Benign. Review status: criteria provided, single submitter. Criteria: ACMG Guidelines, 2015. Collection method: clinical testing. Allele origin: germline.

Clinical Genetics DNA and cytogenetics Diagnostics Lab, Erasmus MC, Erasmus Medical Center
Classification: Benign. Review status: no assertion criteria provided. Collection method: clinical testing. Allele origin: germline. Affected: yes. Study: VKGL Data-share Consensus. Not counted in ClinVar's aggregate classification.

Diagnostic Laboratory, Department of Genetics, University Medical Center Groningen
Classification: Benign. Review status: no assertion criteria provided. Collection method: clinical testing. Allele origin: germline. Affected: yes. Study: VKGL Data-share Consensus. Not counted in ClinVar's aggregate classification.

Joint Genome Diagnostic Labs from Nijmegen and Maastricht, Radboudumc and MUMC+
Classification: Benign. Review status: no assertion criteria provided. Collection method: clinical testing. Allele origin: germline. Affected: yes. Study: VKGL Data-share Consensus. Not counted in ClinVar's aggregate classification.